The following is an entry in ClinVar:

NM_000257.4(MYH7):c.2207T>A (p.Ile736Asn)

Gene: MYH7 (myosin heavy chain 7; minus strand). Cytogenetic location: 14q11.2.
Variant type: single nucleotide variant.
Coding change: c.2207T>A on transcript NM_000257.4 (MANE Select); coding-DNA position 2207, T replaced by A.
Protein change: p.Ile736Asn; replaces isoleucine 736 with asparagine.
Molecular consequence: missense variant.
Genome position (GRCh38, 1-based): chr14:23,425,774, A>T on the plus strand (T>A on the coding strand, the complement: MYH7 is on the minus strand). VCF-style: chr14-23425774-A-T. GRCh37 (hg19) VCF-style: chr14-23894983-A-T.
Other names: short protein forms I736N.
Identifiers: ClinVar variation 179420 (VCV000179420.4), dbSNP rs727503261, ClinGen allele CA011964.
Genomic context (GRCh38, chr14:23,425,774, plus strand): 5'-TACTGGTTGTGATCAATGTCCAGGGAGCTGAGCAGCTTCTCTGCCCCCTTCCTGCTATCA[A>T]TGAACTGTCCCTCAGGGATGGCCGCTGGGTTCAGGATGCGATACCTGAGGAGGGAAGTGT-3'
Protein context (NP_000248.2, residues 726-746): NPAAIPEGQF[Ile736Asn]DSRKGAEKLL

ClinVar aggregate classification (germline): Uncertain significance (1 of 4 stars; one submission).

Submission:

Laboratory for Molecular Medicine, Mass General Brigham Personalized Medicine
Classification: Uncertain significance. Last evaluated: 2013-12-06. Review status: criteria provided, single submitter. Criteria: LMM Criteria. Collection method: clinical testing. Allele origin: germline. Observed: 1 variant allele.
Comment: The Ile736Asn variant in MYH7 has not been previously reported in individuals wi th cardiomyopathy or in large population studies. This variant was predicted to be benign using a computational tool clinically validated by our laboratory (thi s tool's benign prediction is estimated to be correct 89% of the time; Jordan 20 11). However, additional computational analyses (biochemical amino acid propert ies, conservation, AlignGVGD, PolyPhen2, and SIFT) suggest that the variant may impact the protein and another variant at this position (Ile736Thr) is an establ ished pathogenic HCM variant, which suggests that changes affecting isoleucine ( Ile) at position 736 may not be tolerated. In summary, the available information for this variant is somewhat conflicting. Additional information is needed to fully assess its clinical significance.